The following is an entry in ClinVar:

NM_018122.5(DARS2):c.580G>A (p.Val194Ile)

Gene: DARS2 (aspartyl-tRNA synthetase 2, mitochondrial; plus strand). Cytogenetic location: 1q25.1.
Variant type: single nucleotide variant.
Coding change: c.580G>A on transcript NM_018122.5 (MANE Select); coding-DNA position 580, G replaced by A.
Protein change: p.Val194Ile; replaces valine 194 with isoleucine.
Molecular consequence: missense variant.
Genome position (GRCh38, 1-based): chr1:173,833,463, G>A. VCF-style: chr1-173833463-G-A. GRCh37 (hg19) VCF-style: chr1-173802601-G-A.
Other names: c.580G>A, p.Val194Ile (NM_001365212.1, NM_001365213.2); short protein forms V194I.
Identifiers: ClinVar variation 380113 (VCV000380113.19), dbSNP rs186723843, ClinGen allele CA1250166.
Genomic context (GRCh38, chr1:173,833,463, plus strand): 5'-CGCTACTTAGACTTGCGTAGTTTCCAAATGCAGTATAACCTGCGACTGAGGTCCCAGATG[G>A]TCATGAAAATGCGGGAATATCTCTGTAATCTGCATGGTAAGAGAAATGCCTGGATGCTCT-3'
Protein context (NP_060592.2, residues 184-204): QYNLRLRSQM[Val194Ile]MKMREYLCNL

ClinVar aggregate classification (germline): Benign/Likely benign. Review status: criteria provided, multiple submitters, no conflicts (2 of 4 stars). 7 submissions from 7 submitters: Benign (2); Likely benign (4). 1 of the submissions does not count toward it. Last evaluated 2025-04-14.

Conditions:
DARS2-related disorder. Also called: DARS2-related condition.
Leukoencephalopathy with brain stem and spinal cord involvement-high lactate syndrome (LBSL). Also called: Leukoencephalopathy with Brainstem and Spinal Cord Involvement and Lactate Elevation; LEUKOENCEPHALOPATHY WITH BRAINSTEM AND SPINAL CORD INVOLVEMENT AND LACTATE ELEVATION, MILD; MITOCHONDRIAL ASPARTYL-tRNA SYNTHETASE DEFICIENCY. Identifiers: Orphanet 137898, MedGen C1970180, MONDO:0012622, OMIM 611105.

Allele frequency attached by ClinVar (database versions not stated): ESP Exome Variant Server 0.00008; gnomAD exomes 0.00028 and 0.00095; gnomAD 0.00040 and 0.00057; TOPMed 0.00051; ExAC 0.00093; 1000 Genomes Project 30x 0.00281; 1000 Genomes Project 0.00339.
gnomAD v4.1: 563 of 1,614,134 alleles (0.035%); highest among the groups gnomAD compares: East Asian, 0.92%; 1 homozygote.

Submissions (7):

Labcorp Genetics (formerly Invitae), Labcorp
Classification: Benign. Last evaluated: 2025-04-14. Review status: criteria provided, single submitter. Criteria: Invitae Variant Classification Sherloc (09022015). Collection method: clinical testing. Allele origin: germline.

Blueprint Genetics
Classification: Likely benign. Last evaluated: 2024-10-23. Review status: criteria provided, single submitter. Criteria: ACMG Guidelines, 2015. Collection method: clinical testing. Allele origin: germline.

Genome-Nilou Lab
Classification: Likely benign for Leukoencephalopathy with brain stem and spinal cord involvement-high lactate syndrome. Last evaluated: 2023-04-11. Review status: criteria provided, single submitter. Criteria: ACMG Guidelines, 2015. Collection method: clinical testing. Allele origin: germline. Affected: no.

Illumina Laboratory Services, Illumina
Classification: Benign for Leukoencephalopathy with brain stem and spinal cord involvement-high lactate syndrome. Last evaluated: 2018-01-13. Review status: criteria provided, single submitter. Criteria: ICSL Variant Classification Criteria 13 December 2019. Collection method: clinical testing. Allele origin: germline.
Comment: This variant was observed in the ICSL laboratory as part of a predisposition screen in an ostensibly healthy population. It had not been previously curated by ICSL or reported in the Human Gene Mutation Database (HGMD: prior to June 1st, 2018), and was therefore a candidate for classification through an automated scoring system. Utilizing variant allele frequency, disease prevalence and penetrance estimates, and inheritance mode, an automated score was calculated to assess if this variant is too frequent to cause the disease. Based on the score and internal cut-off values, a variant classified as benign is not then subjected to further curation. The score for this variant resulted in a classification of benign for this disease.

GeneDx
Classification: Likely benign. Last evaluated: 2017-10-03. Review status: criteria provided, single submitter. Criteria: GeneDx Variant Classification (06012015). Collection method: clinical testing. Allele origin: germline. Affected: yes.
Comment: This variant is considered likely benign or benign based on one or more of the following criteria: it is a conservative change, it occurs at a poorly conserved position in the protein, it is predicted to be benign by multiple in silico algorithms, and/or has population frequency not consistent with disease.

Breakthrough Genomics
Classification: Likely benign. Review status: criteria provided, single submitter. Criteria: ACMG Guidelines, 2015. Collection method: not provided. Allele origin: germline. Inheritance: Autosomal recessive inheritance. Affected: yes.

PreventionGenetics, part of Exact Sciences
Classification: Benign for DARS2-related condition. Last evaluated: 2019-04-11. Review status: no assertion criteria provided. Collection method: clinical testing. Allele origin: germline. Not counted in ClinVar's aggregate classification.
Comment: This variant is classified as benign based on ACMG/AMP sequence variant interpretation guidelines (Richards et al. 2015 PMID: 25741868, with internal and published modifications).